The following is an entry in ClinVar:

NM_001079.4(ZAP70):c.1214G>A (p.Cys405Tyr)

Gene: ZAP70 (zeta chain of T cell receptor associated protein kinase 70; plus strand). Cytogenetic location: 2q11.2.
Variant type: single nucleotide variant.
Coding change: c.1214G>A on transcript NM_001079.4 (MANE Select); coding-DNA position 1214, G replaced by A.
Protein change: p.Cys405Tyr; replaces cysteine 405 with tyrosine.
Molecular consequence: missense variant.
Genome position (GRCh38, 1-based): chr2:97,735,381, G>A. VCF-style: chr2-97735381-G-A. GRCh37 (hg19) VCF-style: chr2-98351844-G-A.
Other names: c.1214G>A, p.Cys405Tyr (NM_001378594.1); c.293G>A, p.Cys98Tyr (NM_207519.2); short protein forms C98Y, C405Y.
Identifiers: ClinVar variation 2003426 (VCV002003426.4), dbSNP rs2482768048, ClinGen allele CA347801863.
Genomic context (GRCh38, chr2:97,735,381, plus strand): 5'-GCGAGGCGCAGATCATGCACCAGCTGGACAACCCCTACATCGTGCGGCTCATTGGCGTCT[G>A]CCAGGCCGAGGCCCTCATGCTGGTCATGGAGATGGCTGGGGGCGGGCCGCTGCACAAGTT-3'
Protein context (NP_001070.2, residues 395-415): NPYIVRLIGV[Cys405Tyr]QAEALMLVME

ClinVar aggregate classification (germline): Uncertain significance (1 of 4 stars; one submission).

Conditions:
Combined immunodeficiency due to ZAP70 deficiency (IMD48). Also called: Immunodeficiency 48; ZAP70 Deficiency. Identifiers: Orphanet 911, MedGen C2931299, MONDO:0010023, OMIM 269840.

Allele frequency attached by ClinVar (database versions not stated): gnomAD exomes below 0.00001.

Submission:

Labcorp Genetics (formerly Invitae), Labcorp
Classification: Uncertain significance for Combined immunodeficiency due to ZAP70 deficiency. Last evaluated: 2022-06-08. Review status: criteria provided, single submitter. Criteria: Invitae Variant Classification Sherloc (09022015). Collection method: clinical testing. Allele origin: germline.
Comment: This variant is not present in population databases (gnomAD no frequency). In summary, the available evidence is currently insufficient to determine the role of this variant in disease. Therefore, it has been classified as a Variant of Uncertain Significance. Algorithms developed to predict the effect of missense changes on protein structure and function are either unavailable or do not agree on the potential impact of this missense change (SIFT: "Not Available"; PolyPhen-2: "Probably Damaging"; Align-GVGD: "Not Available"). This variant has not been reported in the literature in individuals affected with ZAP70-related conditions. This sequence change replaces cysteine, which is neutral and slightly polar, with tyrosine, which is neutral and polar, at codon 405 of the ZAP70 protein (p.Cys405Tyr).